The following is an entry in ClinVar:

ClinVar aggregate classification (germline): Uncertain significance (1 of 4 stars; one submission).

Conditions:
Hereditary breast ovarian cancer syndrome. Also called: Hereditary breast and ovarian cancer syndrome; Hereditary breast and ovarian cancer; Hereditary breast and ovarian cancer syndrome (HBOC); Hereditary breast and/or ovarian cancer syndrome; Breast and ovarian cancer; BRCA1- and BRCA2-Associated Hereditary Breast and Ovarian Cancer. Identifiers: Orphanet 145, MedGen C0677776, MeSH D061325, MONDO:0003582. Disease mechanism: loss of function.

Submission:

Labcorp Genetics (formerly Invitae), Labcorp
Classification: Uncertain significance for Hereditary breast ovarian cancer syndrome. Last evaluated: 2025-01-12. Review status: criteria provided, single submitter. Criteria: Invitae Variant Classification Sherloc (09022015). Collection method: clinical testing. Allele origin: germline.
Comment: This variant occurs in a non-coding region of the BRCA2 gene. It does not change the encoded amino acid sequence of the BRCA2 protein. This variant is not present in population databases (gnomAD no frequency). This variant has not been reported in the literature in individuals affected with BRCA2-related conditions. ClinVar contains an entry for this variant (Variation ID: 2118286). Experimental studies and prediction algorithms are not available or were not evaluated, and the functional significance of this variant is currently unknown. In summary, the available evidence is currently insufficient to determine the role of this variant in disease. Therefore, it has been classified as a Variant of Uncertain Significance.

NM_000059.4(BRCA2):c.-35A>G

Gene: BRCA2 (BRCA2 DNA repair associated; plus strand). Cytogenetic location: 13q13.1.
Variant type: single nucleotide variant.
Coding change: c.-35A>G on transcript NM_000059.4 (MANE Select); 35 bases upstream of the start codon, A replaced by G.
Molecular consequence: 5 prime UTR variant.
Genome position (GRCh38, 1-based): chr13:32,316,426, A>G. VCF-style: chr13-32316426-A-G. GRCh37 (hg19) VCF-style: chr13-32890563-A-G.
Other names: c.-35A>G (NM_001406719.1, NM_001406720.1, NM_001406721.1).
Identifiers: ClinVar variation 2118286 (VCV002118286.4), dbSNP rs2138697703, ClinGen allele CA2580086930.